The following is an entry in ClinVar:

NM_001353345.2(SETD1B):c.1021G>A (p.Gly341Arg)

Gene: SETD1B (SET domain containing 1B, histone lysine methyltransferase; plus strand). Cytogenetic location: 12q24.31.
Variant type: single nucleotide variant.
Coding change: c.1021G>A on transcript NM_001353345.2 (MANE Select); coding-DNA position 1021, G replaced by A.
Protein change: p.Gly341Arg; replaces glycine 341 with arginine.
Molecular consequence: missense variant.
Genome position (GRCh38, 1-based): chr12:121,809,966, G>A. VCF-style: chr12-121809966-G-A. GRCh37 (hg19) VCF-style: chr12-122247872-G-A.
Other names: NM_015048.1:c.1021G>A; short protein forms G341R.
Identifiers: ClinVar variation 2461590 (VCV002461590.30), dbSNP rs1426898475, ClinGen allele CA386990716.

ClinVar aggregate classification (germline): Uncertain significance. Review status: criteria provided, multiple submitters, no conflicts (2 of 4 stars). 2 submissions from 2 submitters: Uncertain significance (2). Last evaluated 2023-03-01.

Conditions:
Inborn genetic diseases. Identifiers: MedGen C0950123, MeSH D030342.

Allele frequency attached by ClinVar (database versions not stated): TOPMed 0.00002; gnomAD 0.00003.
gnomAD v4.1: 20 of 1,550,674 alleles (0.0013%); highest among the groups gnomAD compares: African/African-American, 0.0055%; no homozygotes.

Submissions (2):

Ambry Genetics
Classification: Uncertain significance for Inborn genetic diseases. Last evaluated: 2023-03-01. Review status: criteria provided, single submitter. Criteria: Ambry Variant Classification Scheme 2023. Collection method: clinical testing. Allele origin: germline.

CeGaT Center for Human Genetics Tuebingen
Classification: Uncertain significance. Last evaluated: 2023-01-01. Review status: criteria provided, single submitter. Criteria: CeGaT Center For Human Genetics Tuebingen Variant Classification Criteria Version 2. Collection method: clinical testing. Allele origin: germline. Affected: yes. Observed: 1 variant allele.
Comment: SETD1B: PP2